The following is an entry in ClinVar:

NM_005633.4(SOS1):c.1848T>C (p.His616=)

Gene: SOS1 (SOS Ras/Rac guanine nucleotide exchange factor 1; minus strand). Cytogenetic location: 2p22.1.
Variant type: single nucleotide variant.
Coding change: c.1848T>C on transcript NM_005633.4 (MANE Select); coding-DNA position 1848, T replaced by C.
Protein change: p.His616=; no amino-acid change (histidine 616 retained).
Molecular consequence: synonymous variant.
Genome position (GRCh38, 1-based): chr2:39,022,580, A>G on the plus strand (T>C on the coding strand, the complement: SOS1 is on the minus strand). VCF-style: chr2-39022580-A-G. GRCh37 (hg19) VCF-style: chr2-39249721-A-G.
Other names: c.1827T>C, p.His609= (NM_001382394.1); c.1848T>C, p.His616= (NM_001382395.1).
Identifiers: ClinVar variation 513172 (VCV000513172.9), dbSNP rs1344852617, ClinGen allele CA425866630.

ClinVar aggregate classification (germline): Likely benign. Review status: criteria provided, multiple submitters, no conflicts (2 of 4 stars). 6 submissions from 5 submitters: Likely benign (6). Last evaluated 2025-02-12.

Conditions:
Noonan syndrome 4 (NS4). Also called: SOS1-Related Noonan Syndrome; NOONAN SYNDROME WITH PIGMENTED VILLONODULAR SYNOVITIS. Identifiers: Orphanet 648, MedGen C1853120, MONDO:0012547, OMIM 610733.
Fibromatosis, gingival, 1 (GINGF1). Identifiers: Orphanet 2024, MedGen C4551558, MONDO:0007609, OMIM 135300.
Cardiovascular phenotype. Identifiers: MedGen CN230736.
RASopathy. Also called: Noonan spectrum disorder; rasopathies. Identifiers: Orphanet 536391, MedGen C5555857, MONDO:0021060.

Allele frequency attached by ClinVar (database versions not stated): gnomAD exomes below 0.00001 and 0.00002; gnomAD 0.00001; TOPMed 0.00001.
gnomAD v4.1: 27 of 1,612,266 alleles (0.0017%); highest among the groups gnomAD compares: Non-Finnish European, 0.0023%; no homozygotes.

Submissions (6):

Labcorp Genetics (formerly Invitae), Labcorp
Classification: Likely benign for RASopathy. Last evaluated: 2025-02-12. Review status: criteria provided, single submitter. Criteria: Invitae Variant Classification Sherloc (09022015). Collection method: clinical testing. Allele origin: germline.

Ambry Genetics
Classification: Likely benign for Cardiovascular phenotype. Last evaluated: 2022-04-06. Review status: criteria provided, single submitter. Criteria: Ambry Variant Classification Scheme 2023. Collection method: clinical testing. Allele origin: germline.

Fulgent Genetics
Classification: Likely benign for Fibromatosis, gingival, 1; Noonan syndrome 4. Last evaluated: 2021-08-25. Review status: criteria provided, single submitter. Criteria: ACMG Guidelines, 2015. Collection method: clinical testing. Allele origin: unknown.

GeneDx
Classification: Likely benign. Last evaluated: 2017-10-31. Review status: criteria provided, single submitter. Criteria: GeneDx Variant Classification (06012015). Collection method: clinical testing. Allele origin: germline. Affected: yes.
Comment: This variant is considered likely benign or benign based on one or more of the following criteria: it is a conservative change, it occurs at a poorly conserved position in the protein, it is predicted to be benign by multiple in silico algorithms, and/or has population frequency not consistent with disease.

Genome-Nilou Lab
Classification: Likely benign for Noonan syndrome 4. Review status: criteria provided, single submitter. Criteria: ACMG Guidelines, 2015. Collection method: clinical testing. Allele origin: germline.

Genome-Nilou Lab
Classification: Likely benign for Fibromatosis, gingival, 1. Review status: criteria provided, single submitter. Criteria: ACMG Guidelines, 2015. Collection method: clinical testing. Allele origin: germline.